The following is an entry in ClinVar:

NM_152641.4(ARID2):c.4146C>T (p.Ser1382=)

Gene: ARID2 (AT-rich interaction domain 2; plus strand). Cytogenetic location: 12q12.
Variant type: single nucleotide variant.
Coding change: c.4146C>T on transcript NM_152641.4 (MANE Select); coding-DNA position 4146, C replaced by T.
Protein change: p.Ser1382=; no amino-acid change (serine 1382 retained).
Molecular consequence: synonymous variant.
Genome position (GRCh38, 1-based): chr12:45,852,269, C>T. VCF-style: chr12-45852269-C-T. GRCh37 (hg19) VCF-style: chr12-46246052-C-T.
Other names: c.4146C>T, p.Ser1382= (NM_001347839.2).
Identifiers: ClinVar variation 712962 (VCV000712962.29), dbSNP rs143660736, ClinGen allele CA6526588.

ClinVar aggregate classification (germline): Likely benign. Review status: criteria provided, multiple submitters, no conflicts (2 of 4 stars). 4 submissions from 4 submitters: Likely benign (4). Last evaluated 2026-01-01.

Allele frequency attached by ClinVar (database versions not stated): ExAC 0.00090; ESP Exome Variant Server 0.00092; TOPMed 0.00093; gnomAD exomes 0.00095 and 0.00138; gnomAD 0.00122 and 0.00128.
gnomAD v4.1: 2,182 of 1,613,886 alleles (0.14%); highest among the groups gnomAD compares: Non-Finnish European, 0.17%; 4 homozygotes.

Submissions (4):

CeGaT Center for Human Genetics Tuebingen
Classification: Likely benign. Last evaluated: 2026-01-01. Review status: criteria provided, single submitter. Criteria: CeGaT Center For Human Genetics Tuebingen Variant Classification Criteria Version 2. Collection method: clinical testing. Allele origin: germline. Affected: yes. Observed: 14 variant alleles.
Comment: ARID2: BP4, BS1

Blueprint Genetics
Classification: Likely benign. Last evaluated: 2024-11-23. Review status: criteria provided, single submitter. Criteria: ACMG Guidelines, 2015. Collection method: clinical testing. Allele origin: germline.

Labcorp Genetics (formerly Invitae), Labcorp
Classification: Likely benign. Last evaluated: 2019-12-31. Review status: criteria provided, single submitter. Criteria: Invitae Variant Classification Sherloc (09022015). Collection method: clinical testing. Allele origin: germline.

Breakthrough Genomics
Classification: Likely benign. Review status: criteria provided, single submitter. Criteria: ACMG Guidelines, 2015. Collection method: not provided. Allele origin: germline. Inheritance: Autosomal dominant inheritance. Affected: yes.